The following is an entry in ClinVar:

ClinVar aggregate classification (germline): Uncertain significance (1 of 4 stars; one submission).

Submission:

Labcorp Genetics (formerly Invitae), Labcorp
Classification: Uncertain significance. Last evaluated: 2021-06-19. Review status: criteria provided, single submitter. Criteria: Invitae Variant Classification Sherloc (09022015). Collection method: clinical testing. Allele origin: germline.
Comment: In summary, the available evidence is currently insufficient to determine the role of this variant in disease. Therefore, it has been classified as a Variant of Uncertain Significance. Advanced modeling of protein sequence and biophysical properties (such as structural, functional, and spatial information, amino acid conservation, physicochemical variation, residue mobility, and thermodynamic stability) performed at Invitae indicates that this missense variant is not expected to disrupt SPTBN2 protein function. This variant has not been reported in the literature in individuals with SPTBN2-related conditions. This variant is not present in population databases (ExAC no frequency). This sequence change replaces leucine with proline at codon 455 of the SPTBN2 protein (p.Leu455Pro). The leucine residue is moderately conserved and there is a moderate physicochemical difference between leucine and proline.

NM_006946.4(SPTBN2):c.1364T>C (p.Leu455Pro)

Gene: SPTBN2 (spectrin beta, non-erythrocytic 2; minus strand). Cytogenetic location: 11q13.2.
Variant type: single nucleotide variant.
Coding change: c.1364T>C on transcript NM_006946.4 (MANE Select); coding-DNA position 1364, T replaced by C.
Protein change: p.Leu455Pro; replaces leucine 455 with proline.
Molecular consequence: missense variant.
Genome position (GRCh38, 1-based): chr11:66,707,805, A>G on the plus strand (T>C on the coding strand, the complement: SPTBN2 is on the minus strand). VCF-style: chr11-66707805-A-G. GRCh37 (hg19) VCF-style: chr11-66475276-A-G.
Other names: short protein forms L455P.
Identifiers: ClinVar variation 1396774 (VCV001396774.6), dbSNP rs2135468630, ClinGen allele CA381480968.